The following is an entry in ClinVar:

ClinVar aggregate classification (germline): Likely pathogenic. Review status: criteria provided, multiple submitters, no conflicts (2 of 4 stars). 5 submissions from 5 submitters: Likely pathogenic (5). Last evaluated 2024-10-25.

Conditions:
Familial adenomatous polyposis 3. Also called: NTHL1-related attenuated familial adenomatous polyposis; NTHL1-Related Adenomatous Polyposis and Colorectal Cancer; NTHL1-associated polyposis; NTHL1 Tumor Syndrome. Identifiers: Orphanet 220460, Orphanet 454840, MedGen C4225157, MONDO:0014630, OMIM 616415.
Hereditary cancer-predisposing syndrome. Also called: Neoplastic Syndromes, Hereditary; Hereditary neoplastic syndrome; Tumor predisposition; Hereditary Cancer Syndrome. Identifiers: Orphanet 140162, MedGen C0027672, MeSH D009386, MONDO:0015356.

Allele frequency attached by ClinVar (database versions not stated): TOPMed below 0.00001.

Submissions (5):

Myriad Genetics, Inc.
Classification: Likely pathogenic for Familial adenomatous polyposis 3. Last evaluated: 2024-10-25. Review status: criteria provided, single submitter. Criteria: Myriad Autosomal Dominant, Autosomal Recessive and X-Linked Classification Criteria (2023). Collection method: clinical testing. Allele origin: unknown.
Comment: This variant is considered likely pathogenic. This variant occurs within a consensus splice junction and is predicted to result in abnormal mRNA splicing of either an out-of-frame exon or an in-frame exon necessary for protein stability and/or normal function.

Ambry Genetics
Classification: Likely pathogenic for Hereditary cancer-predisposing syndrome. Last evaluated: 2024-03-20. Review status: criteria provided, single submitter. Criteria: Ambry Variant Classification Scheme 2023. Collection method: clinical testing. Allele origin: germline.
Comment: The c.378+1G>A intronic variant results from a G to A substitution one nucleotide after coding exon 2 of the NTHL1 gene. This nucleotide position is highly conserved in available vertebrate species. In silico splice site analysis predicts that this alteration will weaken the native splice donor site. Alterations that disrupt the canonical splice site are expected to cause aberrant splicing, resulting in an abnormal protein or a transcript that is subject to nonsense-mediated mRNA decay. As such, this alteration is classified as likely pathogenic.

Sema4
Classification: Likely pathogenic for Hereditary cancer-predisposing syndrome. Last evaluated: 2021-12-17. Review status: criteria provided, single submitter. Criteria: Sema4 Curation Guidelines. Collection method: curation. Allele origin: germline.
Comment: The NTHL1 c.378+1G>A variant has not been reported in the literature to our knowledge. This variant is predicted to abolish the canonical splice site leading to an abnormal or absent protein. Donor and acceptor splice site variants typically lead to a loss of protein function (PMID: 16199547). Loss-of-function variants in the NTHL1 gene are known to be pathogenic (PMID: 25938944, 26559593). This variant was not observed in the Genome Aggregation Database (PMID: 32461654). The variant has been reported in ClinVar (Variation ID 863403). Based on the current evidence available, this variant is interpreted as likely pathogenic.

Baylor Genetics
Classification: Likely pathogenic for Familial adenomatous polyposis 3. Last evaluated: 2021-10-25. Review status: criteria provided, single submitter. Criteria: ACMG Guidelines, 2015. Collection method: clinical testing. Allele origin: unknown.

Labcorp Genetics (formerly Invitae), Labcorp
Classification: Likely pathogenic. Last evaluated: 2020-03-01. Review status: criteria provided, single submitter. Criteria: Invitae Variant Classification Sherloc (09022015). Collection method: clinical testing. Allele origin: germline.
Comment: This sequence change affects a donor splice site in intron 2 of the NTHL1 gene. It is expected to disrupt RNA splicing and likely results in an absent or disrupted protein product. This variant is not present in population databases (ExAC no frequency). This variant has not been reported in the literature in individuals with NTHL1-related conditions. Donor and acceptor splice site variants typically lead to a loss of protein function (PMID: 16199547), and loss-of-function variants in NTHL1 are known to be pathogenic (PMID: 25938944, 26559593). In summary, the currently available evidence indicates that the variant is pathogenic, but additional data are needed to prove that conclusively. Therefore, this variant has been classified as Likely Pathogenic.

Literature cited by the submitters: PubMed 16199547 (cited by Sema4 and Labcorp Genetics (formerly Invitae), Labcorp); PubMed 25938944 (cited by Sema4 and Labcorp Genetics (formerly Invitae), Labcorp); PubMed 26559593 (cited by Sema4 and Labcorp Genetics (formerly Invitae), Labcorp).

NM_002528.7(NTHL1):c.354+1G>A

Gene: NTHL1 (nth like DNA glycosylase 1; minus strand). Cytogenetic location: 16p13.3.
Variant type: single nucleotide variant.
Coding change: c.354+1G>A on transcript NM_002528.7 (MANE Select); the canonical splice donor site of the intron after coding-DNA position 354, G replaced by A.
Molecular consequence: splice donor variant. On other transcripts: intron variant (1).
Genome position (GRCh38, 1-based): chr16:2,046,127, C>T on the plus strand (G>A on the coding strand, the complement: NTHL1 is on the minus strand). VCF-style: chr16-2046127-C-T. GRCh37 (hg19) VCF-style: chr16-2096128-C-T.
Other names: c.24+153G>A (NM_001318194.2); c.354+1G>A (NM_001318193.2).
Identifiers: ClinVar variation 863403 (VCV000863403.13), dbSNP rs1377633383, ClinGen allele CA394295023.